The following is an entry in ClinVar:

NM_153676.4(USH1C):c.497-2A>C

Gene: USH1C (USH1 protein network component harmonin; minus strand). Cytogenetic location: 11p15.1.
Variant type: single nucleotide variant.
Coding change: c.497-2A>C on transcript NM_153676.4 (MANE Select); the canonical splice acceptor site of the intron before coding-DNA position 497, A replaced by C.
Molecular consequence: splice acceptor variant.
Genome position (GRCh38, 1-based): chr11:17,527,042, T>G on the plus strand (A>C on the coding strand, the complement: USH1C is on the minus strand). VCF-style: chr11-17527042-T-G. GRCh37 (hg19) VCF-style: chr11-17548589-T-G.
Other names: c.497-2A>C (NM_001297764.2, NM_005709.4).
Identifiers: ClinVar variation 1517827 (VCV001517827.6), dbSNP rs2133897518, ClinGen allele CA379795028.

ClinVar aggregate classification (germline): Likely pathogenic (1 of 4 stars; one submission).

gnomAD v4.1: 3 of 1,555,516 alleles (0.00019%); highest among the groups gnomAD compares: Non-Finnish European, 0.00026%; no homozygotes.

Submission:

Labcorp Genetics (formerly Invitae), Labcorp
Classification: Likely pathogenic. Last evaluated: 2021-10-03. Review status: criteria provided, single submitter. Criteria: Invitae Variant Classification Sherloc (09022015). Collection method: clinical testing. Allele origin: germline.
Comment: In summary, the currently available evidence indicates that the variant is pathogenic, but additional data are needed to prove that conclusively. Therefore, this variant has been classified as Likely Pathogenic. Algorithms developed to predict the effect of sequence changes on RNA splicing suggest that this variant may disrupt the consensus splice site. This variant has not been reported in the literature in individuals affected with USH1C-related conditions. This variant is not present in population databases (ExAC no frequency). This sequence change affects an acceptor splice site in intron 5 of the USH1C gene. It is expected to disrupt RNA splicing. Variants that disrupt the donor or acceptor splice site typically lead to a loss of protein function (PMID: 16199547), and loss-of-function variants in USH1C are known to be pathogenic (PMID: 10973247, 17407589, 20301442, 21203349).

Literature cited by the submitters: PubMed 16199547; PubMed 10973247; PubMed 17407589; PubMed 20301442; PubMed 21203349.